The following is an entry in ClinVar:

NM_005859.5(PURA):c.272T>G (p.Val91Gly)

Gene: PURA (purine rich element binding protein A; plus strand). Cytogenetic location: 5q31.3.
Variant type: single nucleotide variant.
Coding change: c.272T>G on transcript NM_005859.5 (MANE Select); coding-DNA position 272, T replaced by G.
Protein change: p.Val91Gly; replaces valine 91 with glycine.
Molecular consequence: missense variant.
Genome position (GRCh38, 1-based): chr5:140,114,453, T>G. VCF-style: chr5-140114453-T-G. GRCh37 (hg19) VCF-style: chr5-139494038-T-G.
Other names: short protein forms V91G.
Identifiers: ClinVar variation 3377122 (VCV003377122.1).

ClinVar aggregate classification (germline): Likely pathogenic (1 of 4 stars; one submission).

Conditions:
PURA-related severe neonatal hypotonia-seizures-encephalopathy syndrome (NEDRIHF). Also called: PURA-Related Neurodevelopmental Disorders; NEURODEVELOPMENTAL DISORDER WITH NEONATAL RESPIRATORY INSUFFICIENCY, HYPOTONIA, AND FEEDING DIFFICULTIES. Identifiers: Orphanet 438213, Orphanet 438216, MedGen C4015357, MONDO:1060108, OMIM 616158, MONDO:0018580.

Submission:

Victorian Clinical Genetics Services, Murdoch Childrens Research Institute
Classification: Likely pathogenic for PURA-related severe neonatal hypotonia-seizures-encephalopathy syndrome. Last evaluated: 2024-10-08. Review status: criteria provided, single submitter. Criteria: ACMG Guidelines, 2015. Collection method: clinical testing. Allele origin: germline. Inheritance: Autosomal dominant inheritance. Affected: yes.
Comment: Based on the classification scheme VCGS_Germline_v1.3.4, this variant is classified as likely pathogenic. Following criteria are met: 0102 - Loss of function is likely a mechanism of disease in this gene and is associated with neurodevelopmental disorder with neonatal respiratory insufficiency, hypotonia, and feeding difficulties (MIM#616158; PMID: 28448108). (I) 0107 - This gene is associated with autosomal dominant disease. (I) 0115 - Variants in this gene are known to have variable expressivity (PMID: 29097605). (I) 0200 - Variant is predicted to result in a missense amino acid change from valine to glycine. (I) 0251 - This variant is heterozygous. (I) 0301 - Variant is absent from gnomAD (both v2 and v3). (SP) 0501 - Missense variant consistently predicted to be damaging by multiple in silico tools or highly conserved with a major amino acid change. (SP) 0600 - Variant is located in the annotated PurA domain (DECIPHER). (I) 0705 - No comparable missense variants have previous evidence for pathogenicity. (I) 0807 - This variant has no previous evidence of pathogenicity. (I) 0905 - No published segregation evidence has been identified for this variant. (I) 1007 - No published functional evidence has been identified for this variant. (SP) Legend: (SP) - Supporting pathogenic, (I) - Information, (SB) - Supporting benign

Literature cited by the submitters: PubMed 28448108; PubMed 29097605.